The following is an entry in ClinVar:

ClinVar aggregate classification (germline): Uncertain significance (1 of 4 stars; one submission).

Conditions:
Cardiovascular phenotype. Identifiers: MedGen CN230736.

Submission:

Ambry Genetics
Classification: Uncertain significance for Cardiovascular phenotype. Last evaluated: 2026-04-21. Review status: criteria provided, single submitter. Criteria: Ambry Variant Classification Scheme 2023. Collection method: clinical testing. Allele origin: germline.
Comment: The c.9901+4A>G intronic variant results from an A to G substitution 4 nucleotides after coding exon 68 in the RYR2 gene. This nucleotide position is highly conserved in available vertebrate species. In silico splice site analysis predicts that this alteration will not have any significant effect on splicing. Based on the available evidence, the clinical significance of this variant remains unclear.

NM_001035.3(RYR2):c.9901+4A>G

Gene: RYR2 (ryanodine receptor 2; plus strand). Cytogenetic location: 1q43.
Variant type: single nucleotide variant.
Coding change: c.9901+4A>G on transcript NM_001035.3 (MANE Select); 4 bases into the intron after coding-DNA position 9901, A replaced by G.
Molecular consequence: intron variant.
Genome position (GRCh38, 1-based): chr1:237,707,273, A>G. VCF-style: chr1-237707273-A-G. GRCh37 (hg19) VCF-style: chr1-237870573-A-G.
Identifiers: ClinVar variation 4863713 (VCV004863713.1).